The following is an entry in ClinVar:

ClinVar aggregate classification (germline): Uncertain significance (1 of 4 stars; one submission).

Conditions:
Neuropathy, hereditary sensory and autonomic, type 2A (HSAN2A). Also called: MORVAN DISEASE; NEUROPATHY, CONGENITAL SENSORY; NEUROPATHY, HEREDITARY SENSORY RADICULAR, AUTOSOMAL RECESSIVE; NEUROPATHY, HEREDITARY SENSORY, TYPE IIA; NEUROPATHY, PROGRESSIVE SENSORY, OF CHILDREN; ACROOSTEOLYSIS, GIACCAI TYPE. Identifiers: Orphanet 970, MedGen C2752089, MONDO:0024309, OMIM 201300.
Generalized epilepsy with febrile seizures plus, type 7 (GEFSP7). Also called: GEFS+, TYPE 7. Identifiers: Orphanet 36387, MedGen C2751778, MONDO:0013470, OMIM 613863.

gnomAD v4.1: 2 of 1,613,742 alleles (0.00012%); highest among the groups gnomAD compares: East Asian, 0.0022%; no homozygotes.

Submission:

Labcorp Genetics (formerly Invitae), Labcorp
Classification: Uncertain significance for Neuropathy, hereditary sensory and autonomic, type 2A; Generalized epilepsy with febrile seizures plus, type 7. Last evaluated: 2024-06-17. Review status: criteria provided, single submitter. Criteria: Invitae Variant Classification Sherloc (09022015). Collection method: clinical testing. Allele origin: germline.
Comment: This sequence change replaces cysteine, which is neutral and slightly polar, with phenylalanine, which is neutral and non-polar, at codon 255 of the SCN9A protein (p.Cys255Phe). This variant is present in population databases (rs755139637, gnomAD 0.006%). This variant has not been reported in the literature in individuals affected with SCN9A-related conditions. Advanced modeling of protein sequence and biophysical properties (such as structural, functional, and spatial information, amino acid conservation, physicochemical variation, residue mobility, and thermodynamic stability) performed at Invitae indicates that this missense variant is not expected to disrupt SCN9A protein function with a negative predictive value of 95%. In summary, the available evidence is currently insufficient to determine the role of this variant in disease. Therefore, it has been classified as a Variant of Uncertain Significance.

NM_001365536.1(SCN9A):c.764G>T (p.Cys255Phe)

Gene: SCN9A (sodium voltage-gated channel alpha subunit 9; minus strand). Cytogenetic location: 2q24.3.
Variant type: single nucleotide variant.
Coding change: c.764G>T on transcript NM_001365536.1 (MANE Select); coding-DNA position 764, G replaced by T.
Protein change: p.Cys255Phe; replaces cysteine 255 with phenylalanine.
Molecular consequence: missense variant.
Genome position (GRCh38, 1-based): chr2:166,303,227, C>A on the plus strand (G>T on the coding strand, the complement: SCN9A is on the minus strand). VCF-style: chr2-166303227-C-A. GRCh37 (hg19) VCF-style: chr2-167159737-C-A.
Other names: c.764G>T, p.Cys255Phe (NM_002977.4); short protein forms C255F.
Identifiers: ClinVar variation 3751361 (VCV003751361.2).